The following is an entry in ClinVar:

NM_022773.4(LMF1):c.776C>G (p.Pro259Arg)

Gene: LMF1 (lipase maturation factor 1; minus strand). Cytogenetic location: 16p13.3.
Variant type: single nucleotide variant.
Coding change: c.776C>G on transcript NM_022773.4 (MANE Select); coding-DNA position 776, C replaced by G.
Protein change: p.Pro259Arg; replaces proline 259 with arginine.
Molecular consequence: missense variant. On other transcripts: non-coding transcript variant (1).
Genome position (GRCh38, 1-based): chr16:879,691, G>C on the plus strand (C>G on the coding strand, the complement: LMF1 is on the minus strand). VCF-style: chr16-879691-G-C. GRCh37 (hg19) VCF-style: chr16-929691-G-C.
Other names: c.125C>G, p.Pro42Arg (NM_001352017.2, NM_001352021.2); c.377C>G, p.Pro126Arg (NM_001352018.2); c.449C>G, p.Pro150Arg (NM_001352019.2); c.776C>G, p.Pro259Arg (NM_001352020.1); short protein forms P150R, P259R, P42R, P126R.
Identifiers: ClinVar variation 4614525 (VCV004614525.1).

ClinVar aggregate classification (germline): Uncertain significance (1 of 4 stars; one submission).

Conditions:
Cardiovascular phenotype. Identifiers: MedGen CN230736.

Submission:

Ambry Genetics
Classification: Uncertain significance for Cardiovascular phenotype. Last evaluated: 2025-11-07. Review status: criteria provided, single submitter. Criteria: Ambry Variant Classification Scheme 2023. Collection method: clinical testing. Allele origin: germline.
Comment: The p.P259R variant (also known as c.776C>G), located in coding exon 6 of the LMF1 gene, results from a C to G substitution at nucleotide position 776. The proline at codon 259 is replaced by arginine, an amino acid with dissimilar properties. This amino acid position is conserved. In addition, this alteration is predicted to be deleterious by in silico analysis. Based on the available evidence, the clinical significance of this variant remains unclear.